The following is an entry in ClinVar:

ClinVar aggregate classification (germline): Pathogenic (1 of 4 stars; one submission).

Conditions:
Duchenne muscular dystrophy (DMD). Also called: MUSCULAR DYSTROPHY, PSEUDOHYPERTROPHIC PROGRESSIVE, DUCHENNE TYPE; Duchenne Muscular Dystrophy (DMD). Identifiers: Orphanet 98896, MedGen C0013264, MONDO:0010679, OMIM 310200.

Submission:

Labcorp Genetics (formerly Invitae), Labcorp
Classification: Pathogenic for Duchenne muscular dystrophy. Last evaluated: 2024-05-06. Review status: criteria provided, single submitter. Criteria: Invitae Variant Classification Sherloc (09022015). Collection method: clinical testing. Allele origin: germline.
Comment: This sequence change creates a premature translational stop signal (p.Lys1524Leufs*21) in the DMD gene. It is expected to result in an absent or disrupted protein product. Loss-of-function variants in DMD are known to be pathogenic (PMID: 16770791, 25007885). This variant is not present in population databases (gnomAD no frequency). This variant has not been reported in the literature in individuals affected with DMD-related conditions. For these reasons, this variant has been classified as Pathogenic.

Literature cited by the submitters: PubMed 16770791; PubMed 25007885.

NM_004006.3(DMD):c.4570_4573del (p.Lys1524fs)

Gene: DMD (dystrophin; minus strand). Cytogenetic location: Xp21.1.
Variant type: Deletion.
Coding change: c.4570_4573del on transcript NM_004006.3 (MANE Select); coding-DNA positions 4570 to 4573, 4 bases deleted (AAGA; older notation c.4570_4573delAAGA).
Protein change: p.Lys1524fs; shifts the reading frame from lysine 1524.
Molecular consequence: frameshift variant.
Genome position (GRCh38, 1-based): chrX:32,386,411-32,386,414, TCTT deleted on the plus strand (AAGA on the coding strand, the reverse complement: DMD is on the minus strand); deleting any 4 consecutive bases within chrX:32,386,411-32,386,415 gives the same sequence; the c. name uses the placement nearest the transcript's 3' end. VCF-style (leftmost placement, unchanged base first): chrX-32386410-GTCTT-G. GRCh37 (hg19) VCF-style: chrX-32404527-GTCTT-G.
Other names: c.4546_4549del, p.Lys1516fs (NM_000109.4); c.4558_4561del, p.Lys1520fs (NM_004009.3); c.4201_4204del, p.Lys1401fs (NM_004010.3); c.547_550del, p.Lys183fs (NM_004011.4); c.538_541del, p.Lys180fs (NM_004012.4); short protein forms K1516fs, K1520fs, K180fs, K183fs, K1401fs, K1524fs.
Identifiers: ClinVar variation 2696285 (VCV002696285.3), dbSNP rs2523043513, ClinGen allele CA2697552969.